The following is an entry in ClinVar:

ClinVar aggregate classification (germline): Pathogenic/Likely pathogenic. Review status: criteria provided, multiple submitters, no conflicts (2 of 4 stars). 2 submissions from 2 submitters: Pathogenic (1); Likely pathogenic (1). Last evaluated 2025-01-05.

Conditions:
ITGB2-related disorder. Also called: ITGB2-related condition.
Leukocyte adhesion deficiency 1 (LAD1). Also called: LAD 1; Lymphocyte function-associated antigen 1 immunodeficiency; LFA 1 immunodeficiency; LEUKOCYTE ADHESION DEFICIENCY, TYPE I. Identifiers: Orphanet 2968, Orphanet 99842, MedGen C0398738, MONDO:0007293, OMIM 116920.

Allele frequency attached by ClinVar (database versions not stated): gnomAD exomes below 0.00001.

Submissions (2):

Labcorp Genetics (formerly Invitae), Labcorp
Classification: Pathogenic for Leukocyte adhesion deficiency 1. Last evaluated: 2025-01-05. Review status: criteria provided, single submitter. Criteria: Invitae Variant Classification Sherloc (09022015). Collection method: clinical testing. Allele origin: germline.
Comment: This sequence change creates a premature translational stop signal (p.Ser39Trpfs*11) in the ITGB2 gene. It is expected to result in an absent or disrupted protein product. Loss-of-function variants in ITGB2 are known to be pathogenic (PMID: 22134107, 25703682). This variant is not present in population databases (gnomAD no frequency). This variant has not been reported in the literature in individuals affected with ITGB2-related conditions. ClinVar contains an entry for this variant (Variation ID: 2630823). For these reasons, this variant has been classified as Pathogenic.

PreventionGenetics, part of Exact Sciences
Classification: Likely pathogenic for ITGB2-related condition. Last evaluated: 2023-09-08. Review status: criteria provided, single submitter. Criteria: ACMG Guidelines, 2015. Collection method: clinical testing. Allele origin: germline.
Comment: The ITGB2 c.116delC variant is predicted to result in a frameshift and premature protein termination (p.Ser39Trpfs*11). To our knowledge, this variant has not been reported in the literature or in a large population database, indicating this variant is rare. Frameshift variants in ITGB2 are expected to be pathogenic. This variant is interpreted as likely pathogenic.

Literature cited by the submitters: PubMed 22134107 (cited by Labcorp Genetics (formerly Invitae), Labcorp); PubMed 25703682 (cited by Labcorp Genetics (formerly Invitae), Labcorp).

NM_000211.5(ITGB2):c.116del (p.Ser39fs)

Gene: ITGB2 (integrin subunit beta 2; minus strand). Cytogenetic location: 21q22.3.
Variant type: Deletion.
Coding change: c.116del on transcript NM_000211.5 (MANE Select); coding-DNA position 116, one base deleted (C; older notation c.116delC).
Protein change: p.Ser39fs; shifts the reading frame from serine 39.
Molecular consequence: frameshift variant. On other transcripts: 5 prime UTR variant (1).
Genome position (GRCh38, 1-based): chr21:44,910,315, G deleted on the plus strand (C on the coding strand, the reverse complement: ITGB2 is on the minus strand). VCF-style (leftmost placement, unchanged base first): chr21-44910314-CG-C. GRCh37 (hg19) VCF-style: chr21-46330229-CG-C.
Other names: c.116del, p.Ser39fs (NM_001127491.3); c.-92del (NM_001303238.2); short protein forms S39fs.
Identifiers: ClinVar variation 2630823 (VCV002630823.3), dbSNP rs2517165274, ClinGen allele CA2654872896.